The following is an entry in ClinVar:

NM_000535.7(PMS2):c.933C>T (p.His311=)

Gene: PMS2 (PMS1 homolog 2, mismatch repair system component; minus strand). Cytogenetic location: 7p22.1.
Variant type: single nucleotide variant.
Coding change: c.933C>T on transcript NM_000535.7 (MANE Select); coding-DNA position 933, C replaced by T.
Protein change: p.His311=; no amino-acid change (histidine 311 retained).
Molecular consequence: synonymous variant. On other transcripts: 5 prime UTR variant (2), non-coding transcript variant (1), intron variant (1).
Genome position (GRCh38, 1-based): chr7:5,992,028, G>A on the plus strand (C>T on the coding strand, the complement: PMS2 is on the minus strand). VCF-style: chr7-5992028-G-A. GRCh37 (hg19) VCF-style: chr7-6031659-G-A.
Other names: c.528C>T, p.His176= (NM_001018040.1, NM_001322003.2, NM_001322004.2 and 20 more transcripts); c.933C>T, p.His311= (NM_001322006.2, NM_001322014.2, NM_001406870.1 and 2 more transcripts); c.615C>T, p.His205= (NM_001322007.2, NM_001322008.2, NM_001406876.1 and 4 more transcripts); c.-1C>T (NM_001322011.2, NM_001322012.2); c.360C>T, p.His120= (NM_001322013.2, NM_001406909.1); c.624C>T, p.His208= (NM_001322015.2, NM_001406875.1, NM_001406877.1 and 6 more transcripts); c.1119C>T, p.His373= (NM_001406866.1); c.957C>T, p.His319= (NM_001406868.1); and 8 more.
Identifiers: ClinVar variation 381548 (VCV000381548.19), dbSNP rs1057521069, ClinGen allele CA16605249.

ClinVar aggregate classification (germline): Benign/Likely benign. Review status: criteria provided, multiple submitters, no conflicts (2 of 4 stars). 5 submissions from 5 submitters: Benign (1); Likely benign (4). Last evaluated 2025-01-29.

Conditions:
Hereditary nonpolyposis colorectal neoplasms. Identifiers: MedGen C0009405, MeSH D003123.
Lynch syndrome 4 (LYNCH4). Also called: Colorectal cancer, hereditary nonpolyposis, type 4; Hereditary non-polyposis colorectal cancer, type 4. Identifiers: Orphanet 144, MedGen C1838333, MONDO:0013699, OMIM 614337. Disease mechanism: loss of function.
Hereditary cancer-predisposing syndrome. Also called: Tumor predisposition; Hereditary neoplastic syndrome; Neoplastic Syndromes, Hereditary; Hereditary Cancer Syndrome. Identifiers: Orphanet 140162, MedGen C0027672, MeSH D009386, MONDO:0015356.

Allele frequency attached by ClinVar (database versions not stated): gnomAD exomes below 0.00001.
gnomAD v4.1: 2 of 1,598,382 alleles (0.00013%); highest among the groups gnomAD compares: Non-Finnish European, 0.00017%; no homozygotes.

Submissions (5):

Myriad Genetics, Inc.
Classification: Benign for Lynch syndrome 4. Last evaluated: 2025-01-29. Review status: criteria provided, single submitter. Criteria: Myriad Autosomal Dominant, Autosomal Recessive and X-Linked Classification Criteria (2023). Collection method: clinical testing. Allele origin: unknown.
Comment: This variant is considered benign. This variant is a silent/synonymous amino acid change and it is not expected to impact splicing.

Labcorp Genetics (formerly Invitae), Labcorp
Classification: Likely benign for Hereditary nonpolyposis colorectal neoplasms. Last evaluated: 2024-10-10. Review status: criteria provided, single submitter. Criteria: Invitae Variant Classification Sherloc (09022015). Collection method: clinical testing. Allele origin: germline.

Color Diagnostics, LLC DBA Color Health
Classification: Likely benign for Hereditary cancer-predisposing syndrome. Last evaluated: 2023-08-07. Review status: criteria provided, single submitter. Criteria: ACMG Guidelines, 2015. Collection method: clinical testing. Allele origin: germline.

Ambry Genetics
Classification: Likely benign for Hereditary cancer-predisposing syndrome. Last evaluated: 2018-09-24. Review status: criteria provided, single submitter. Criteria: Ambry Variant Classification Scheme 2023. Collection method: clinical testing. Allele origin: germline.

GeneDx
Classification: Likely benign. Last evaluated: 2015-11-13. Review status: criteria provided, single submitter. Criteria: GeneDx Variant Classification (06012015). Collection method: clinical testing. Allele origin: germline. Affected: yes.
Comment: This variant is considered likely benign or benign based on one or more of the following criteria: it is a conservative change, it occurs at a poorly conserved position in the protein, it is predicted to be benign by multiple in silico algorithms, and/or has population frequency not consistent with disease.